The following is an entry in ClinVar:

NM_003036.4(SKI):c.1870G>A (p.Glu624Lys)

Gene: SKI (SKI proto-oncogene; plus strand). Cytogenetic location: 1p36.32.
Variant type: single nucleotide variant.
Coding change: c.1870G>A on transcript NM_003036.4 (MANE Select); coding-DNA position 1870, G replaced by A.
Protein change: p.Glu624Lys; replaces glutamic acid 624 with lysine.
Molecular consequence: missense variant.
Genome position (GRCh38, 1-based): chr1:2,306,122, G>A. VCF-style: chr1-2306122-G-A. GRCh37 (hg19) VCF-style: chr1-2237561-G-A.
Other names: short protein forms E624K.
Identifiers: ClinVar variation 3633455 (VCV003633455.2).
Genomic context (GRCh38, chr1:2,306,122, plus strand): 5'-GAGGCCACGGAGGCCAAGCGTAACCTGCGGAAGGAGATCGAGCGTCTCCGCGCCGAGAAC[G>A]AGAAGAAGATGAAAGAGGCCAACGAGTCACGGCTGCGCCTGAAGCGGGAGCTGGAGCAGG-3'
Protein context (NP_003027.1, residues 614-634): KEIERLRAEN[Glu624Lys]KKMKEANESR

ClinVar aggregate classification (germline): Uncertain significance (1 of 4 stars; one submission).

Conditions:
Shprintzen-Goldberg syndrome (SGS). Also called: Marfanoid disorder with craniosynostosis type 1; Marfanoid craniosynostosis syndrome; Shprintzen-Goldberg marfanoid syndrome; SHPRINTZEN-GOLDBERG CRANIOSYNOSTOSIS SYNDROME; CRANIOSYNOSTOSIS WITH ARACHNODACTYLY AND ABDOMINAL HERNIAS. Identifiers: Orphanet 2462, MedGen C1321551, MONDO:0008426, OMIM 182212.

Submission:

Labcorp Genetics (formerly Invitae), Labcorp
Classification: Uncertain significance for Shprintzen-Goldberg syndrome. Last evaluated: 2024-07-16. Review status: criteria provided, single submitter. Criteria: Invitae Variant Classification Sherloc (09022015). Collection method: clinical testing. Allele origin: germline.
Comment: This sequence change replaces glutamic acid, which is acidic and polar, with lysine, which is basic and polar, at codon 624 of the SKI protein (p.Glu624Lys). This variant is not present in population databases (gnomAD no frequency). This variant has not been reported in the literature in individuals affected with SKI-related conditions. Advanced modeling of protein sequence and biophysical properties (such as structural, functional, and spatial information, amino acid conservation, physicochemical variation, residue mobility, and thermodynamic stability) has been performed at Invitae for this missense variant, however the output from this modeling did not meet the statistical confidence thresholds required to predict the impact of this variant on SKI protein function. In summary, the available evidence is currently insufficient to determine the role of this variant in disease. Therefore, it has been classified as a Variant of Uncertain Significance.